The following is an entry in ClinVar:

NM_000283.4(PDE6B):c.2041A>T (p.Lys681Ter)

Gene: PDE6B (phosphodiesterase 6B; plus strand). Cytogenetic location: 4p16.3.
Variant type: single nucleotide variant.
Coding change: c.2041A>T on transcript NM_000283.4 (MANE Select); coding-DNA position 2041, A replaced by T.
Protein change: p.Lys681Ter; replaces lysine 681 with a stop codon.
Molecular consequence: nonsense.
Genome position (GRCh38, 1-based): chr4:664,133, A>T. VCF-style: chr4-664133-A-T. GRCh37 (hg19) VCF-style: chr4-657922-A-T.
Other names: c.2041A>T, p.Lys681Ter (NM_001145291.2, NM_001440547.1, NM_001440548.1); c.1204A>T, p.Lys402Ter (NM_001145292.2, NM_001350154.3, NM_001379246.1 and 1 more transcripts); c.886A>T, p.Lys296Ter (NM_001350155.3); short protein forms K402*, K681*, K296*.
Identifiers: ClinVar variation 4712186 (VCV004712186.1).
Genomic context (GRCh38, chr4:664,133, plus strand): 5'-CACTTGCTCCCACCTGCACCTCCCTTGTTCCCTGGGTTCAGGAAGAGAGCGATGTTTCAG[A>T]AGATCGTGGATGAGTCCAAGAACTACCAGGACAAGAAGAGCTGGGTGGAGTACCTGTCCC-3'

ClinVar aggregate classification (germline): Pathogenic (1 of 4 stars; one submission).

gnomAD v4.1: 1 of 1,609,972 alleles (0.000062%); highest among the groups gnomAD compares: Non-Finnish European, 0.000085%; no homozygotes.

Submission:

Labcorp Genetics (formerly Invitae), Labcorp
Classification: Pathogenic. Last evaluated: 2025-02-03. Review status: criteria provided, single submitter. Criteria: Invitae Variant Classification Sherloc (09022015). Collection method: clinical testing. Allele origin: germline.
Comment: This sequence change creates a premature translational stop signal (p.Lys681*) in the PDE6B gene. It is expected to result in an absent or disrupted protein product. Loss-of-function variants in PDE6B are known to be pathogenic (PMID: 8394174, 8595886, 22334370). This variant is not present in population databases (gnomAD no frequency). This variant has not been reported in the literature in individuals affected with PDE6B-related conditions. For these reasons, this variant has been classified as Pathogenic.

Literature cited by the submitters: PubMed 8394174; PubMed 8595886; PubMed 22334370.